The following is an entry in ClinVar:

ClinVar aggregate classification (germline): Likely pathogenic (3 of 4 stars; one submission).

Conditions:
Monogenic diabetes. Identifiers: Orphanet 183625, MedGen C3888631, MONDO:0015967.

Submission:

ClinGen Monogenic Diabetes Variant Curation Expert Panel
Classification: Likely pathogenic for Monogenic diabetes. Last evaluated: 2025-04-25. Review status: reviewed by expert panel. Criteria: ClinGen Diabetes ACMG Specifications HNF1A V2.1.0. Collection method: curation. Allele origin: germline. Inheritance: Autosomal dominant inheritance.
Comment: The c.697G>T variant in the HNF1 homeobox A gene, HNF1A, causes an amino acid change of valine to leucine at codon 233 (p.(Val233Leu)) of NM_000545.8. This variant is located within a conserved region of the DNA binding domain (codons 107-174 and 201-280) of HNF1A, which is defined as critical for the protein’s function by the ClinGen MDEP (PM1_Supporting). This variant is predicted to be deleterious by computational evidence, with a REVEL score of 0.892, which is greater than the MDEP VCEP threshold of 0.70 (PP3). Functional studies demonstrated the p.Val233Leu protein has transactivation below 40% of wildtype, indicating that this variant impacts protein function (PS3_Supporting, PMID: 15522234). This variant is absent in gnomAD v2.1.1 (PM2_Supporting). It was identified in two unrelated individuals with non-autoimmune and non-absolute/near-absolute insulin-deficient diabetes; however, PS4_Moderate cannot be applied because this number is below the ClinGen MDEP threshold (internal lab contributors). The nucleotide change c.697G>C, which causes the same amino acid change, has been classified as pathogenic for monogenic diabetes by the ClinGen MDEP (PS1). In summary, c.697G>T meets the criteria to be classified as likely pathogenic for monogenic diabetes. ACMG/AMP criteria applied, as specified by the ClinGen MDEP (specification version 2.1.0, approved 8/11/2023): PS1, PP3, PS3_Supporting, PM1_Supporting, PM2_Supporting.

Literature cited by the submitters: PubMed 15522234.

NM_000545.8(HNF1A):c.697G>T (p.Val233Leu)

Gene: HNF1A (HNF1 homeobox A; plus strand). Cytogenetic location: 12q24.31.
Variant type: single nucleotide variant.
Coding change: c.697G>T on transcript NM_000545.8 (MANE Select); coding-DNA position 697, G replaced by T.
Protein change: p.Val233Leu; replaces valine 233 with leucine.
Molecular consequence: missense variant.
Genome position (GRCh38, 1-based): chr12:120,993,690, G>T. VCF-style: chr12-120993690-G-T. GRCh37 (hg19) VCF-style: chr12-121431493-G-T.
Other names: NM_001306179.2:c.697G>T; c.697G>T, p.Val233Leu (NM_001306179.2, NM_001406915.1); short protein forms V233L.
Identifiers: ClinVar variation 2691846 (VCV002691846.2), dbSNP rs2135839897, ClinGen allele CA386965309.